The following is an entry in ClinVar:

ClinVar aggregate classification (germline): Uncertain significance (1 of 4 stars; one submission).

Conditions:
Gnathodiaphyseal dysplasia (GDD). Also called: GNATHODIAPHYSEAL SCLEROSIS; OSTEOGENESIS IMPERFECTA WITH UNUSUAL SKELETAL LESIONS. Identifiers: Orphanet 53697, MedGen C1833736, MONDO:0008151, OMIM 166260.
Autosomal recessive limb-girdle muscular dystrophy type 2L (LGMDR12). Also called: Limb-Girdle Muscular Dystrophy R12 Anoctamin-5-Related (LGMD-R12); Limb-girdle muscular dystrophy, type 2L; MUSCULAR DYSTROPHY, LIMB-GIRDLE, AUTOSOMAL RECESSIVE 12. Identifiers: Orphanet 206549, MedGen C1969785, MONDO:0012652, OMIM 611307.

Submission:

Labcorp Genetics (formerly Invitae), Labcorp
Classification: Uncertain significance for Autosomal recessive limb-girdle muscular dystrophy type 2L; Gnathodiaphyseal dysplasia. Last evaluated: 2021-02-07. Review status: criteria provided, single submitter. Criteria: Invitae Variant Classification Sherloc (09022015). Collection method: clinical testing. Allele origin: germline.
Comment: This sequence change replaces histidine with aspartic acid at codon 659 of the ANO5 protein (p.His659Asp). The histidine residue is moderately conserved and there is a moderate physicochemical difference between histidine and aspartic acid. This variant is not present in population databases (ExAC no frequency). This variant has not been reported in the literature in individuals with ANO5-related conditions. Advanced modeling of protein sequence and biophysical properties (such as structural, functional, and spatial information, amino acid conservation, physicochemical variation, residue mobility, and thermodynamic stability) performed at Invitae indicates that this missense variant is expected to disrupt ANO5 protein function. In summary, the available evidence is currently insufficient to determine the role of this variant in disease. Therefore, it has been classified as a Variant of Uncertain Significance.

NM_213599.3(ANO5):c.1975C>G (p.His659Asp)

Gene: ANO5 (anoctamin 5; plus strand). Cytogenetic location: 11p14.3.
Variant type: single nucleotide variant.
Coding change: c.1975C>G on transcript NM_213599.3 (MANE Select); coding-DNA position 1975, C replaced by G.
Protein change: p.His659Asp; replaces histidine 659 with aspartic acid.
Molecular consequence: missense variant.
Genome position (GRCh38, 1-based): chr11:22,270,388, C>G. VCF-style: chr11-22270388-C-G. GRCh37 (hg19) VCF-style: chr11-22291934-C-G.
Other names: c.1972C>G, p.His658Asp (NM_001142649.2); short protein forms H659D, H658D.
Identifiers: ClinVar variation 1508316 (VCV001508316.8), dbSNP rs1177606947, ClinGen allele CA379923388.
Genomic context (GRCh38, chr11:22,270,388, plus strand): 5'-TGGAGACGCCGAAAAGCTCGGACAAACTCTGAGAAGCTGTATAGTCGATGGGAGCAGGAT[C>G]ATGACCTTGAAAGTTTTGGACCCCTTGGGCTTTTCTATGAGTACTTAGAAACAGGTAATT-3'
Protein context (NP_998764.1, residues 649-669): EKLYSRWEQD[His659Asp]DLESFGPLGL